The following is an entry in ClinVar:

NM_000395.3(CSF2RB):c.1464+15C>T

Gene: CSF2RB (colony stimulating factor 2 receptor subunit beta; plus strand). Cytogenetic location: 22q12.3.
Variant type: single nucleotide variant.
Coding change: c.1464+15C>T on transcript NM_000395.3 (MANE Select); 15 bases into the intron after coding-DNA position 1464, C replaced by T.
Molecular consequence: intron variant.
Genome position (GRCh38, 1-based): chr22:36,935,702, C>T. VCF-style: chr22-36935702-C-T. GRCh37 (hg19) VCF-style: chr22-37331744-C-T.
Identifiers: ClinVar variation 226546 (VCV000226546.15), dbSNP rs186445757, ClinGen allele CA10213854.

ClinVar aggregate classification (germline): Benign/Likely benign. Review status: criteria provided, multiple submitters, no conflicts (2 of 4 stars). 3 submissions from 3 submitters: Benign (2); Likely benign (1). Last evaluated 2026-02-01.

Allele frequency attached by ClinVar (database versions not stated): 1000 Genomes Project 0.00120; gnomAD 0.00153; 1000 Genomes Project 30x 0.00156; TOPMed 0.00220; ESP Exome Variant Server 0.00308.

Submissions (6):

Labcorp Genetics (formerly Invitae), Labcorp
Classification: Benign. Last evaluated: 2026-02-01. Review status: criteria provided, single submitter. Criteria: Invitae Variant Classification Sherloc (09022015). Collection method: clinical testing. Allele origin: germline.

Blueprint Genetics
Classification: Likely benign. Last evaluated: 2024-11-28. Review status: criteria provided, single submitter. Criteria: ACMG Guidelines, 2015. Collection method: clinical testing. Allele origin: germline.

Laboratory for Molecular Medicine, Mass General Brigham Personalized Medicine
Classification: Benign. Last evaluated: 2014-11-24. Review status: criteria provided, single submitter. Criteria: LMM Criteria. Collection method: clinical testing. Allele origin: germline. Observed: 1 variant allele.
Comment: 1464+15C>T in intron 12 of CSF2RB: This variant is not expected to have clinical significance because it is not located within the conserved splice consensus se quence. It has been identified in 0.4% (38/8600) of European American chromosome s from a broad population by the NHLBI Exome Sequencing Project (dbSNP rs186445757).

Dr. Peter K. Rogan Lab, Western University
No classification provided (evidence only). Condition: Acute myeloid leukemia. Review status: no classification provided. Collection method: in vitro. Allele origin: not applicable. Functional consequence: retained intron. Not counted in ClinVar's aggregate classification.

Dr. Peter K. Rogan Lab, Western University
No classification provided (evidence only). Condition: Acute myeloid leukemia. Review status: no classification provided. Collection method: in vitro. Allele origin: not applicable. Functional consequence: retained intron. Not counted in ClinVar's aggregate classification.

Dr. Peter K. Rogan Lab, Western University
No classification provided (evidence only). Condition: Sarcoma. Review status: no classification provided. Collection method: in vitro. Allele origin: not applicable. Functional consequence: retained intron. Not counted in ClinVar's aggregate classification.